The following is an entry in ClinVar:

ClinVar aggregate classification (germline): Uncertain significance (1 of 4 stars; one submission).

Submission:

GeneDx
Classification: Uncertain significance. Last evaluated: 2024-04-17. Review status: criteria provided, single submitter. Criteria: GeneDx Variant Classification Process June 2021. Collection method: clinical testing. Allele origin: germline. Affected: yes.
Comment: Not observed at significant frequency in large population cohorts (gnomAD); In silico analysis indicates that this missense variant does not alter protein structure/function; Has not been previously published as pathogenic or benign to our knowledge

NM_014991.6(WDFY3):c.179G>A (p.Arg60Lys)

Gene: WDFY3 (WD repeat and FYVE domain containing 3; minus strand). Cytogenetic location: 4q21.23.
Variant type: single nucleotide variant.
Coding change: c.179G>A on transcript NM_014991.6 (MANE Select); coding-DNA position 179, G replaced by A.
Protein change: p.Arg60Lys; replaces arginine 60 with lysine.
Molecular consequence: missense variant.
Genome position (GRCh38, 1-based): chr4:84,860,413, C>T on the plus strand (G>A on the coding strand, the complement: WDFY3 is on the minus strand). VCF-style: chr4-84860413-C-T. GRCh37 (hg19) VCF-style: chr4-85781566-C-T.
Other names: short protein forms R60K.
Identifiers: ClinVar variation 3371912 (VCV003371912.1).